The following is an entry in ClinVar:

ClinVar aggregate classification (germline): Uncertain significance (1 of 4 stars; one submission).

Conditions:
FGF8-related disorder. Also called: FGF8-related condition.

Allele frequency attached by ClinVar (database versions not stated): gnomAD exomes 0.00001; TOPMed 0.00001; ExAC 0.00003; ESP Exome Variant Server 0.00008.
gnomAD v4.1: 19 of 1,613,672 alleles (0.0012%); highest among the groups gnomAD compares: South Asian, 0.0044%; no homozygotes.

Submission:

PreventionGenetics, part of Exact Sciences
Classification: Uncertain significance for FGF8-related condition. Last evaluated: 2022-12-22. Review status: criteria provided, single submitter. Criteria: ACMG Guidelines, 2015. Collection method: clinical testing. Allele origin: germline.
Comment: The FGF8 c.550C>T variant is predicted to result in the amino acid substitution p.Arg184Cys. This variant in the homozygous condition was reported in an individual with hypogonadotropic hypogonadism, idiopathic (Men et al 2019. PubMed ID: 31748124). This variant is reported in 0.0047% of alleles in individuals of European (Finnish) descent in gnomAD. A different variant affecting the same amino acid (p.Arg184His) was reported to negatively affect the proliferation of human cardiomyocytes (Zhou. 2020. PubMed ID: 32664970). At this time, the clinical significance of this variant is uncertain due to the absence of conclusive functional and genetic evidence.

NM_033163.5(FGF8):c.550C>T (p.Arg184Cys)

Gene: FGF8 (fibroblast growth factor 8; minus strand). Cytogenetic location: 10q24.32.
Variant type: single nucleotide variant.
Coding change: c.550C>T on transcript NM_033163.5 (MANE Select); coding-DNA position 550, C replaced by T.
Protein change: p.Arg184Cys; replaces arginine 184 with cysteine.
Molecular consequence: missense variant.
Genome position (GRCh38, 1-based): chr10:101,770,514, G>A on the plus strand (C>T on the coding strand, the complement: FGF8 is on the minus strand). VCF-style: chr10-101770514-G-A. GRCh37 (hg19) VCF-style: chr10-103530271-G-A.
Other names: c.238C>T, p.Arg80Cys (NM_001206389.2); c.463C>T, p.Arg155Cys (NM_006119.6); c.517C>T, p.Arg173Cys (NM_033164.4); c.430C>T, p.Arg144Cys (NM_033165.5); short protein forms R144C, R155C, R173C, R184C, R80C.
Identifiers: ClinVar variation 2636585 (VCV002636585.1), dbSNP rs369967262, ClinGen allele CA5657558.